The following is an entry in ClinVar:

ClinVar aggregate classification (germline): Uncertain significance (1 of 4 stars; one submission).

Conditions:
Congenital myasthenic syndrome 8. Also called: MYASTHENIC SYNDROME, CONGENITAL, DUE TO AGRIN DEFICIENCY; Myasthenic syndrome, congenital, 8, with pre- and postsynaptic defects. Identifiers: Orphanet 590, MedGen C3808739, MONDO:0014052, OMIM 615120.

Allele frequency attached by ClinVar (database versions not stated): TOPMed 0.00001.

Submission:

Labcorp Genetics (formerly Invitae), Labcorp
Classification: Uncertain significance for Congenital myasthenic syndrome 8. Last evaluated: 2022-07-20. Review status: criteria provided, single submitter. Criteria: Invitae Variant Classification Sherloc (09022015). Collection method: clinical testing. Allele origin: germline.
Comment: In summary, the available evidence is currently insufficient to determine the role of this variant in disease. Therefore, it has been classified as a Variant of Uncertain Significance. Algorithms developed to predict the effect of missense changes on protein structure and function (SIFT, PolyPhen-2, Align-GVGD) all suggest that this variant is likely to be tolerated. This variant has not been reported in the literature in individuals affected with AGRN-related conditions. This variant is not present in population databases (gnomAD no frequency). This sequence change replaces phenylalanine, which is neutral and non-polar, with leucine, which is neutral and non-polar, at codon 310 of the AGRN protein (p.Phe310Leu).

NM_198576.4(AGRN):c.928T>C (p.Phe310Leu)

Gene: AGRN (agrin; plus strand). Cytogenetic location: 1p36.33.
Variant type: single nucleotide variant.
Coding change: c.928T>C on transcript NM_198576.4 (MANE Select); coding-DNA position 928, T replaced by C.
Protein change: p.Phe310Leu; replaces phenylalanine 310 with leucine.
Molecular consequence: missense variant.
Genome position (GRCh38, 1-based): chr1:1,041,373, T>C. VCF-style: chr1-1041373-T-C. GRCh37 (hg19) VCF-style: chr1-976753-T-C.
Other names: c.928T>C, p.Phe310Leu (NM_001305275.2); c.613T>C, p.Phe205Leu (NM_001364727.2); short protein forms F310L, F205L.
Identifiers: ClinVar variation 1978008 (VCV001978008.5), dbSNP rs1308344019, ClinGen allele CA337825124.